The following is an entry in ClinVar:

NM_001142966.3(GREB1L):c.2391C>T (p.Ser797=)

Gene: GREB1L (GREB1 like retinoic acid receptor coactivator; plus strand). Cytogenetic location: 18q11.1.
Variant type: single nucleotide variant.
Coding change: c.2391C>T on transcript NM_001142966.3 (MANE Select); coding-DNA position 2391, C replaced by T.
Protein change: p.Ser797=; no amino-acid change (serine 797 retained).
Molecular consequence: synonymous variant.
Genome position (GRCh38, 1-based): chr18:21,477,191, C>T. VCF-style: chr18-21477191-C-T. GRCh37 (hg19) VCF-style: chr18-19057152-C-T.
Other names: c.2520C>T, p.Ser840= (NM_001410867.1); c.2064C>T, p.Ser688= (NM_001410868.1); c.2391C>T (NM_001142966.1).
Identifiers: ClinVar variation 2723824 (VCV002723824.5), dbSNP rs758423934, ClinGen allele CA8906497.

ClinVar aggregate classification (germline): Benign. Review status: criteria provided, single submitter (1 of 4 stars). 2 submissions from 2 submitters: Benign (1). 1 of the submissions does not count toward it. Last evaluated 2023-10-13.

Conditions:
GREB1L-related disorder. Also called: GREB1L-related condition.

Allele frequency attached by ClinVar (database versions not stated): TOPMed 0.00003; gnomAD 0.00005; 1000 Genomes Project 30x 0.00016; ExAC 0.00055.
gnomAD v4.1: 139 of 1,551,538 alleles (0.009%); highest among the groups gnomAD compares: South Asian, 0.15%; 4 homozygotes.

Submissions (2):

Labcorp Genetics (formerly Invitae), Labcorp
Classification: Benign. Last evaluated: 2023-10-13. Review status: criteria provided, single submitter. Criteria: Invitae Variant Classification Sherloc (09022015). Collection method: clinical testing. Allele origin: germline.

PreventionGenetics, part of Exact Sciences
Classification: Likely benign for GREB1L-related condition. Last evaluated: 2019-07-03. Review status: no assertion criteria provided. Collection method: clinical testing. Allele origin: germline. Not counted in ClinVar's aggregate classification.
Comment: This variant is classified as likely benign based on ACMG/AMP sequence variant interpretation guidelines (Richards et al. 2015 PMID: 25741868, with internal and published modifications).